The following is an entry in ClinVar:

NM_001194958.2(KCNJ18):c.119G>A (p.Arg40His)

Gene: KCNJ18 (potassium inwardly rectifying channel subfamily J member 18; plus strand). Cytogenetic location: 17p11.2.
Variant type: single nucleotide variant.
Coding change: c.119G>A on transcript NM_001194958.2 (MANE Select); coding-DNA position 119, G replaced by A.
Protein change: p.Arg40His; replaces arginine 40 with histidine.
Molecular consequence: missense variant.
Genome position (GRCh38, 1-based): chr17:21,702,905, G>A. VCF-style: chr17-21702905-G-A.
Other names: short protein forms R40H.
Identifiers: ClinVar variation 3061031 (VCV003061031.1), dbSNP rs1267282483, ClinGen allele CA398487654.

ClinVar aggregate classification (germline): Benign (1 of 4 stars; one submission).

Conditions:
KCNJ18-related disorder. Also called: KCNJ18-related condition.

Allele frequency attached by ClinVar (database versions not stated): gnomAD 0.39471; TOPMed 0.39867; gnomAD exomes 0.42888; 1000 Genomes Project 30x 0.47158.

Submission:

PreventionGenetics, part of Exact Sciences
Classification: Benign for KCNJ18-related condition. Last evaluated: 2019-10-31. Review status: criteria provided, single submitter. Criteria: ACMG Guidelines, 2015. Collection method: clinical testing. Allele origin: germline.
Comment: This variant is classified as benign based on ACMG/AMP sequence variant interpretation guidelines (Richards et al. 2015 PMID: 25741868, with internal and published modifications).